The following is an entry in ClinVar:

ClinVar aggregate classification (germline): Uncertain significance (1 of 4 stars; one submission).

Conditions:
Nemaline myopathy 10 (NEM10). Identifiers: MedGen C4015360, MONDO:0014513, OMIM 616165.

Allele frequency attached by ClinVar (database versions not stated): gnomAD 0.00001.
gnomAD v4.1: 3 of 1,576,254 alleles (0.00019%); highest among the groups gnomAD compares: Non-Finnish European, 0.00026%; no homozygotes.

Submission:

Labcorp Genetics (formerly Invitae), Labcorp
Classification: Uncertain significance for Nemaline myopathy 10. Last evaluated: 2020-10-13. Review status: criteria provided, single submitter. Criteria: Invitae Variant Classification Sherloc (09022015). Collection method: clinical testing. Allele origin: germline.
Comment: This sequence change replaces serine with alanine at codon 134 of the LMOD3 protein (p.Ser134Ala). The serine residue is moderately conserved and there is a moderate physicochemical difference between serine and alanine. This variant is not present in population databases (ExAC no frequency). This variant has not been reported in the literature in individuals with LMOD3-related conditions. Algorithms developed to predict the effect of missense changes on protein structure and function (SIFT, PolyPhen-2, Align-GVGD) all suggest that this variant is likely to be tolerated, but these predictions have not been confirmed by published functional studies and their clinical significance is uncertain. In summary, the available evidence is currently insufficient to determine the role of this variant in disease. Therefore, it has been classified as a Variant of Uncertain Significance.

NM_198271.5(LMOD3):c.400T>G (p.Ser134Ala)

Gene: LMOD3 (leiomodin 3; minus strand). Cytogenetic location: 3p14.1.
Variant type: single nucleotide variant.
Coding change: c.400T>G on transcript NM_198271.5 (MANE Select); coding-DNA position 400, T replaced by G.
Protein change: p.Ser134Ala; replaces serine 134 with alanine.
Molecular consequence: missense variant.
Genome position (GRCh38, 1-based): chr3:69,119,955, A>C on the plus strand (T>G on the coding strand, the complement: LMOD3 is on the minus strand). VCF-style: chr3-69119955-A-C. GRCh37 (hg19) VCF-style: chr3-69169106-A-C.
Other names: c.400T>G, p.Ser134Ala (NM_001304418.3); short protein forms S134A.
Identifiers: ClinVar variation 1055840 (VCV001055840.5), dbSNP rs1283065889, ClinGen allele CA353476944.